The following is an entry in ClinVar:

NM_030973.4(MED25):c.547G>A (p.Val183Met)

Gene: MED25 (mediator complex subunit 25; plus strand). Cytogenetic location: 19q13.33.
Variant type: single nucleotide variant.
Coding change: c.547G>A on transcript NM_030973.4 (MANE Select); coding-DNA position 547, G replaced by A.
Protein change: p.Val183Met; replaces valine 183 with methionine.
Molecular consequence: missense variant.
Genome position (GRCh38, 1-based): chr19:49,829,807, G>A. VCF-style: chr19-49829807-G-A. GRCh37 (hg19) VCF-style: chr19-50333064-G-A.
Other names: c.547G>A, p.Val183Met (NM_001378355.1); short protein forms V183M.
Identifiers: ClinVar variation 476806 (VCV000476806.8), dbSNP rs1555802134, ClinGen allele CA406912946.

ClinVar aggregate classification (germline): Uncertain significance (1 of 4 stars; one submission).

Conditions:
Charcot-Marie-Tooth disease type 2. Also called: Charcot-Marie-Tooth type 2. Identifiers: Orphanet 64746, MedGen C0270914, MONDO:0018993.

Submission:

Labcorp Genetics (formerly Invitae), Labcorp
Classification: Uncertain significance for Charcot-Marie-Tooth disease type 2. Last evaluated: 2017-06-17. Review status: criteria provided, single submitter. Criteria: Invitae Variant Classification Sherloc (09022015). Collection method: clinical testing. Allele origin: germline.
Comment: This variant is not present in population databases (ExAC no frequency). In summary, this variant has uncertain impact on MED25 function. The available evidence is currently insufficient to determine its role in disease. Therefore, it has been classified as a Variant of Uncertain Significance. Algorithms developed to predict the effect of missense changes on protein structure and function do not agree on the potential impact of this missense change (SIFT: "Deleterious"; PolyPhen-2: "Probably Damaging"; Align-GVGD: "Class C0"). This variant has not been reported in the literature in individuals with a MED25-related disease. This sequence change replaces valine with methionine at codon 183 of the MED25 protein (p.Val183Met). The valine residue is moderately conserved and there is a small physicochemical difference between valine and methionine.